The following is an entry in ClinVar:

ClinVar aggregate classification (germline): Likely benign. Review status: criteria provided, multiple submitters, no conflicts (2 of 4 stars). 3 submissions from 3 submitters: Likely benign (3). Last evaluated 2026-01-25.

Conditions:
USH2A-related disorder. Also called: USH2A-related condition; USH2A-related disorders. Identifiers: MedGen CN239332.

Allele frequency attached by ClinVar (database versions not stated): TOPMed 0.00001; gnomAD 0.00009 and 0.00001; gnomAD exomes 0.00011 and 0.00022; ExAC 0.00031; 1000 Genomes Project 30x 0.00078; 1000 Genomes Project 0.00100.
gnomAD v4.1: 174 of 1,611,274 alleles (0.011%); highest among the groups gnomAD compares: South Asian, 0.17%; 2 homozygotes.

Submissions (3):

Labcorp Genetics (formerly Invitae), Labcorp
Classification: Likely benign. Last evaluated: 2026-01-25. Review status: criteria provided, single submitter. Criteria: Invitae Variant Classification Sherloc (09022015). Collection method: clinical testing. Allele origin: germline.

PreventionGenetics, part of Exact Sciences
Classification: Likely benign for USH2A-related condition. Last evaluated: 2025-05-22. Review status: criteria provided, single submitter. Criteria: ACMG Guidelines, 2015. Collection method: clinical testing. Allele origin: germline.
Comment: This variant is classified as likely benign based on ACMG/AMP sequence variant interpretation guidelines (Richards et al. 2015 PMID: 25741868, with internal and published modifications).

Blueprint Genetics
Classification: Likely benign. Last evaluated: 2024-04-24. Review status: criteria provided, single submitter. Criteria: ACMG Guidelines, 2015. Collection method: clinical testing. Allele origin: germline.

NM_206933.4(USH2A):c.9372-4G>T

Gene: USH2A (usherin; minus strand). Cytogenetic location: 1q41.
Variant type: single nucleotide variant.
Coding change: c.9372-4G>T on transcript NM_206933.4 (MANE Select); 4 bases into the intron before coding-DNA position 9372, G replaced by T.
Molecular consequence: intron variant.
Genome position (GRCh38, 1-based): chr1:215,817,199, C>A on the plus strand (G>T on the coding strand, the complement: USH2A is on the minus strand). VCF-style: chr1-215817199-C-A. GRCh37 (hg19) VCF-style: chr1-215990541-C-A.
Identifiers: ClinVar variation 763957 (VCV000763957.13), dbSNP rs199953845, ClinGen allele CA1394330.